The following is an entry in ClinVar:

NM_001252024.2(TRPM1):c.3413A>G (p.His1138Arg)

Genes: TRPM1 (transient receptor potential cation channel subfamily M member 1; minus strand), TRPM1-AS1 (TRPM1 antisense RNA 1; plus strand), LOC126862088 (BRD4-independent group 4 enhancer GRCh37_chr15:31318084-31319283; plus strand). Cytogenetic location: 15q13.3.
Variant type: single nucleotide variant.
Coding change: c.3413A>G on transcript NM_001252024.2 (MANE Select); coding-DNA position 3413, A replaced by G.
Protein change: p.His1138Arg; replaces histidine 1138 with arginine.
Molecular consequence: missense variant.
Genome position (GRCh38, 1-based): chr15:31,026,998, T>C on the plus strand (A>G on the coding strand, the complement: TRPM1 is on the minus strand). VCF-style: chr15-31026998-T-C. GRCh37 (hg19) VCF-style: chr15-31319201-T-C.
Other names: c.3464A>G, p.His1155Arg (NM_001252020.2); c.3347A>G, p.His1116Arg (NM_002420.6); short protein forms H1116R, H1138R, H1155R.
Identifiers: ClinVar variation 2042960 (VCV002042960.4), dbSNP rs2543163839, ClinGen allele CA391541767.

ClinVar aggregate classification (germline): Uncertain significance (1 of 4 stars; one submission).

Submission:

Labcorp Genetics (formerly Invitae), Labcorp
Classification: Uncertain significance. Last evaluated: 2021-12-15. Review status: criteria provided, single submitter. Criteria: Invitae Variant Classification Sherloc (09022015). Collection method: clinical testing. Allele origin: germline.
Comment: In summary, the available evidence is currently insufficient to determine the role of this variant in disease. Therefore, it has been classified as a Variant of Uncertain Significance. Algorithms developed to predict the effect of missense changes on protein structure and function (SIFT, PolyPhen-2, Align-GVGD) all suggest that this variant is likely to be disruptive. This variant has not been reported in the literature in individuals affected with TRPM1-related conditions. This variant is not present in population databases (gnomAD no frequency). This sequence change replaces histidine, which is basic and polar, with arginine, which is basic and polar, at codon 1116 of the TRPM1 protein (p.His1116Arg).